The following is an entry in ClinVar:

ClinVar aggregate classification (germline): Uncertain significance (1 of 4 stars; one submission).

Conditions:
Gorlin syndrome. Also called: Nevoid Basal Cell Carcinoma Syndrome; Basal cell nevus syndrome. Identifiers: Orphanet 377, MedGen C0004779, MONDO:0007187.

gnomAD v4.1: 1 of 1,614,112 alleles (0.000062%); no homozygotes.

Submission:

Labcorp Genetics (formerly Invitae), Labcorp
Classification: Uncertain significance for Gorlin syndrome. Last evaluated: 2025-08-24. Review status: criteria provided, single submitter. Criteria: Invitae Variant Classification Sherloc (09022015). Collection method: clinical testing. Allele origin: germline.
Comment: This sequence change replaces aspartic acid, which is acidic and polar, with glutamic acid, which is acidic and polar, at codon 867 of the PTCH2 protein (p.Asp867Glu). This variant is present in population databases (rs760818128, gnomAD 0.01%). This variant has not been reported in the literature in individuals affected with PTCH2-related conditions. Invitae Evidence Modeling of protein sequence and biophysical properties (such as structural, functional, and spatial information, amino acid conservation, physicochemical variation, residue mobility, and thermodynamic stability) has been performed for this missense variant. However, the output from this modeling did not meet the statistical confidence thresholds required to predict the impact of this variant on PTCH2 protein function. In summary, the available evidence is currently insufficient to determine the role of this variant in disease. Therefore, it has been classified as a Variant of Uncertain Significance.

NM_003738.5(PTCH2):c.2601C>A (p.Asp867Glu)

Gene: PTCH2 (patched 2; minus strand). Cytogenetic location: 1p34.1.
Variant type: single nucleotide variant.
Coding change: c.2601C>A on transcript NM_003738.5 (MANE Select); coding-DNA position 2601, C replaced by A.
Protein change: p.Asp867Glu; replaces aspartic acid 867 with glutamic acid.
Molecular consequence: missense variant.
Genome position (GRCh38, 1-based): chr1:44,826,996, G>T on the plus strand (C>A on the coding strand, the complement: PTCH2 is on the minus strand). VCF-style: chr1-44826996-G-T. GRCh37 (hg19) VCF-style: chr1-45292668-G-T.
Other names: c.2601C>A, p.Asp867Glu (NM_001166292.2); short protein forms D867E.
Identifiers: ClinVar variation 4739365 (VCV004739365.1).